The following is an entry in ClinVar:

NM_032977.4(CASP10):c.814-11T>C

Gene: CASP10 (caspase 10; plus strand). Cytogenetic location: 2q33.1.
Variant type: single nucleotide variant.
Coding change: c.814-11T>C on transcript NM_032977.4 (MANE Select); 11 bases into the intron before coding-DNA position 814, T replaced by C.
Molecular consequence: intron variant.
Genome position (GRCh38, 1-based): chr2:201,208,064, T>C. VCF-style: chr2-201208064-T-C. GRCh37 (hg19) VCF-style: chr2-202072787-T-C.
Other names: c.814-11T>C (NM_032974.5); c.685-11T>C (NM_001206542.2, NM_001230.5); c.722-11T>C (NM_032976.4); c.722-1006T>C (NM_001206524.2).
Identifiers: ClinVar variation 3748632 (VCV003748632.2).

ClinVar aggregate classification (germline): Uncertain significance (1 of 4 stars; one submission).

Conditions:
Autoimmune lymphoproliferative syndrome type 2A (ALPS2A). Also called: CASP10-Related Autoimmune Lymphoproliferative Syndrome; Autoimmune lymphoproliferative syndrome type 2; AUTOIMMUNE LYMPHOPROLIFERATIVE SYNDROME, TYPE IIA. Identifiers: Orphanet 3261, MedGen C1858968, MONDO:0011383, OMIM 603909.

gnomAD v4.1: 2 of 1,602,792 alleles (0.00012%); highest among the groups gnomAD compares: Admixed American, 0.0033%; no homozygotes.

Submission:

Labcorp Genetics (formerly Invitae), Labcorp
Classification: Uncertain significance for Autoimmune lymphoproliferative syndrome type 2A. Last evaluated: 2024-06-29. Review status: criteria provided, single submitter. Criteria: Invitae Variant Classification Sherloc (09022015). Collection method: clinical testing. Allele origin: germline.
Comment: This sequence change falls in intron 7 of the CASP10 gene. It does not directly change the encoded amino acid sequence of the CASP10 protein. This variant is present in population databases (no rsID available, gnomAD 0.003%). This variant has not been reported in the literature in individuals affected with CASP10-related conditions. Algorithms developed to predict the effect of sequence changes on RNA splicing suggest that this variant may disrupt the consensus splice site. In summary, the available evidence is currently insufficient to determine the role of this variant in disease. Therefore, it has been classified as a Variant of Uncertain Significance.